The following is an entry in ClinVar:

ClinVar aggregate classification (germline): Uncertain significance (1 of 4 stars; one submission).

Conditions:
Arrhythmogenic right ventricular dysplasia 8 (ARVD8). Also called: Arrhythmogenic Right Ventricular Dysplasia/Cardiomyopathy 8; ARRHYTHMOGENIC RIGHT VENTRICULAR DYSPLASIA, FAMILIAL, 8; ARRHYTHMOGENIC RIGHT VENTRICULAR CARDIOMYOPATHY 8. Identifiers: MedGen C1843896, MONDO:0011831, OMIM 607450.
Arrhythmogenic cardiomyopathy with wooly hair and keratoderma. Also called: Arrhythmogenic cardiomyopathy with woolly hair and keratoderma; Carvajal syndrome; PALMOPLANTAR KERATODERMA WITH LEFT VENTRICULAR CARDIOMYOPATHY AND WOOLLY HAIR; Dilated cardiomyopathy with woolly hair and keratoderma. Identifiers: Orphanet 65282, MedGen C1854063, MONDO:0011581, OMIM 605676.

Allele frequency attached by ClinVar (database versions not stated): gnomAD exomes below 0.00001; TOPMed 0.00001.
gnomAD v4.1: 1 of 1,614,240 alleles (0.000062%); highest among the groups gnomAD compares: Non-Finnish European, 0.000085%; no homozygotes.

Submission:

Labcorp Genetics (formerly Invitae), Labcorp
Classification: Uncertain significance for Arrhythmogenic cardiomyopathy with wooly hair and keratoderma; Arrhythmogenic right ventricular dysplasia 8. Last evaluated: 2022-03-17. Review status: criteria provided, single submitter. Criteria: Invitae Variant Classification Sherloc (09022015). Collection method: clinical testing. Allele origin: germline.
Comment: This sequence change replaces glutamine, which is neutral and polar, with arginine, which is basic and polar, at codon 616 of the DSP protein (p.Gln616Arg). This variant is not present in population databases (gnomAD no frequency). This variant has not been reported in the literature in individuals affected with DSP-related conditions. Algorithms developed to predict the effect of missense changes on protein structure and function (SIFT, PolyPhen-2, Align-GVGD) all suggest that this variant is likely to be disruptive. In summary, the available evidence is currently insufficient to determine the role of this variant in disease. Therefore, it has been classified as a Variant of Uncertain Significance.

NM_004415.4(DSP):c.1847A>G (p.Gln616Arg)

Gene: DSP (desmoplakin; plus strand). Cytogenetic location: 6p24.3.
Variant type: single nucleotide variant.
Coding change: c.1847A>G on transcript NM_004415.4 (MANE Select); coding-DNA position 1847, A replaced by G.
Protein change: p.Gln616Arg; replaces glutamine 616 with arginine.
Molecular consequence: missense variant.
Genome position (GRCh38, 1-based): chr6:7,571,528, A>G. VCF-style: chr6-7571528-A-G. GRCh37 (hg19) VCF-style: chr6-7571761-A-G.
Other names: c.1847A>G, p.Gln616Arg (NM_001008844.3, NM_001319034.2); short protein forms Q616R.
Identifiers: ClinVar variation 2180816 (VCV002180816.4), dbSNP rs1184921987, ClinGen allele CA362679518.